The following is an entry in ClinVar:

NM_006343.3(MERTK):c.1257C>T (p.Gly419=)

Gene: MERTK (MER proto-oncogene, tyrosine kinase; plus strand). Cytogenetic location: 2q13.
Variant type: single nucleotide variant.
Coding change: c.1257C>T on transcript NM_006343.3 (MANE Select); coding-DNA position 1257, C replaced by T.
Protein change: p.Gly419=; no amino-acid change (glycine 419 retained).
Molecular consequence: synonymous variant.
Genome position (GRCh38, 1-based): chr2:111,982,954, C>T. VCF-style: chr2-111982954-C-T. GRCh37 (hg19) VCF-style: chr2-112740531-C-T.
Identifiers: ClinVar variation 2007093 (VCV002007093.5), dbSNP rs767926830, ClinGen allele CA1831305.

ClinVar aggregate classification (germline): Conflicting classifications of pathogenicity. Review status: criteria provided, conflicting classifications (1 of 4 stars). 2 submissions from 2 submitters: Uncertain significance (1); Likely benign (1). Last evaluated 2023-07-19.

Allele frequency attached by ClinVar (database versions not stated): ExAC 0.00001; gnomAD exomes 0.00001.
gnomAD v4.1: 10 of 1,614,150 alleles (0.00062%); highest among the groups gnomAD compares: Non-Finnish European, 0.00076%; no homozygotes.

Submissions (2):

Labcorp Genetics (formerly Invitae), Labcorp
Classification: Uncertain significance. Last evaluated: 2023-07-19. Review status: criteria provided, single submitter. Criteria: Invitae Variant Classification Sherloc (09022015). Collection method: clinical testing. Allele origin: germline.
Comment: This sequence change affects codon 419 of the MERTK mRNA. It is a 'silent' change, meaning that it does not change the encoded amino acid sequence of the MERTK protein. This variant is present in population databases (rs767926830, gnomAD 0.002%). This variant has not been reported in the literature in individuals affected with MERTK-related conditions. ClinVar contains an entry for this variant (Variation ID: 2007093). Algorithms developed to predict the effect of sequence changes on RNA splicing suggest that this variant may create or strengthen a splice site. In summary, the available evidence is currently insufficient to determine the role of this variant in disease. Therefore, it has been classified as a Variant of Uncertain Significance.

Blueprint Genetics
Classification: Likely benign. Last evaluated: 2022-06-03. Review status: criteria provided, single submitter. Criteria: ACMG Guidelines, 2015. Collection method: clinical testing. Allele origin: germline.